The following is an entry in ClinVar:

ClinVar aggregate classification (germline): Uncertain significance. Review status: criteria provided, multiple submitters, no conflicts (2 of 4 stars). 2 submissions from 2 submitters: Uncertain significance (2). Last evaluated 2024-04-19.

Conditions:
Congenital myotonia, autosomal dominant form (THD). Also called: THOMSEN DISEASE; Myotonia congenita autosomal dominant. Identifiers: Orphanet 614, MedGen C2936781, MONDO:0008055, OMIM 160800.
Congenital myotonia, autosomal recessive form. Also called: BECKER DISEASE; myotonia congenita, autosomal recessive; Becker Generalized Myotonia. Identifiers: Orphanet 614, MedGen C0751360, MONDO:0009715, OMIM 255700.

Allele frequency attached by ClinVar (database versions not stated): TOPMed below 0.00001; gnomAD 0.00001.
gnomAD v4.1: 4 of 1,614,092 alleles (0.00025%); highest among the groups gnomAD compares: Non-Finnish European, 0.00034%; no homozygotes.

Submissions (2):

Labcorp Genetics (formerly Invitae), Labcorp
Classification: Uncertain significance for Congenital myotonia, autosomal recessive form; Congenital myotonia, autosomal dominant form. Last evaluated: 2024-04-19. Review status: criteria provided, single submitter. Criteria: Invitae Variant Classification Sherloc (09022015). Collection method: clinical testing. Allele origin: germline.
Comment: This sequence change replaces lysine, which is basic and polar, with asparagine, which is neutral and polar, at codon 324 of the CLCN1 protein (p.Lys324Asn). This variant is present in population databases (no rsID available, gnomAD 0.0009%). This variant has not been reported in the literature in individuals affected with CLCN1-related conditions. ClinVar contains an entry for this variant (Variation ID: 2663554). Advanced modeling of protein sequence and biophysical properties (such as structural, functional, and spatial information, amino acid conservation, physicochemical variation, residue mobility, and thermodynamic stability) has been performed at Invitae for this missense variant, however the output from this modeling did not meet the statistical confidence thresholds required to predict the impact of this variant on CLCN1 protein function. In summary, the available evidence is currently insufficient to determine the role of this variant in disease. Therefore, it has been classified as a Variant of Uncertain Significance.

GeneDx
Classification: Uncertain significance. Last evaluated: 2023-04-26. Review status: criteria provided, single submitter. Criteria: GeneDx Variant Classification Process June 2021. Collection method: clinical testing. Allele origin: germline. Affected: yes.
Comment: Not observed at significant frequency in large population cohorts (gnomAD); In silico analysis supports that this missense variant has a deleterious effect on protein structure/function; Has not been previously published as pathogenic or benign to our knowledge

NM_000083.3(CLCN1):c.972G>C (p.Lys324Asn)

Gene: CLCN1 (chloride voltage-gated channel 1; plus strand). Cytogenetic location: 7q34.
Variant type: single nucleotide variant.
Coding change: c.972G>C on transcript NM_000083.3 (MANE Select); coding-DNA position 972, G replaced by C.
Protein change: p.Lys324Asn; replaces lysine 324 with asparagine.
Molecular consequence: missense variant. On other transcripts: non-coding transcript variant (1).
Genome position (GRCh38, 1-based): chr7:143,330,890, G>C. VCF-style: chr7-143330890-G-C. GRCh37 (hg19) VCF-style: chr7-143027983-G-C.
Other names: short protein forms K324N.
Identifiers: ClinVar variation 2663554 (VCV002663554.3), dbSNP rs1193395764, ClinGen allele CA369641735.